The following is an entry in ClinVar:

ClinVar aggregate classification (germline): Pathogenic (1 of 4 stars; one submission).

Conditions:
Autosomal recessive nonsyndromic hearing loss 16. Also called: DFNB16 Nonsyndromic Hearing Loss and Deafness; DEAFNESS, AUTOSOMAL RECESSIVE 16. Identifiers: Orphanet 90636, MedGen C1863561, MONDO:0011364, OMIM 603720.

Submission:

Center of Genomic medicine, Geneva, University Hospital of Geneva
Classification: Pathogenic for Autosomal recessive nonsyndromic hearing loss 16. Last evaluated: 2020-09-07. Review status: criteria provided, single submitter. Criteria: ACMG Guidelines, 2015. Collection method: clinical testing. Allele origin: inherited. Affected: yes. Observed: 1 variant allele.

NC_000015.9:g.(43851199_43890391)_(?_44038820)del

Genes: CATSPER2 (cation channel sperm associated 2; minus strand), CKMT1A (creatine kinase, mitochondrial 1A; plus strand), CKMT1B (creatine kinase, mitochondrial 1B; plus strand), PDIA3 (protein disulfide isomerase family A member 3; plus strand), PPIP5K1 (diphosphoinositol pentakisphosphate kinase 1; minus strand) and 1 more. Cytogenetic location: 15q15.3.
Variant type: Deletion.
Identifiers: ClinVar variation 1175707 (VCV001175707.2).